The following is an entry in ClinVar:

NM_001283009.2(RTEL1):c.1482-6G>A

Genes: RTEL1 (regulator of telomere elongation helicase 1; plus strand), RTEL1-TNFRSF6B (RTEL1-TNFRSF6B readthrough (NMD candidate); plus strand). Cytogenetic location: 20q13.33.
Variant type: single nucleotide variant.
Coding change: c.1482-6G>A on transcript NM_001283009.2 (MANE Select); 6 bases into the intron before coding-DNA position 1482, G replaced by A.
Molecular consequence: intron variant.
Genome position (GRCh38, 1-based): chr20:63,687,931, G>A. VCF-style: chr20-63687931-G-A. GRCh37 (hg19) VCF-style: chr20-62319284-G-A.
Other names: p.?; c.813-6G>A (NM_001283010.1); c.1554-6G>A (NM_032957.5); c.1482-6G>A (NM_016434.4).
Identifiers: ClinVar variation 473905 (VCV000473905.25), dbSNP rs76364377, ClinGen allele CA9964828.

ClinVar aggregate classification (germline): Benign/Likely benign. Review status: criteria provided, multiple submitters, no conflicts (2 of 4 stars). 10 submissions from 10 submitters: Benign (6); Likely benign (1). 3 of the submissions do not count toward it. Last evaluated 2026-02-04.

Conditions:
Dyskeratosis congenita, autosomal recessive 5 (DKCB5). Identifiers: MedGen C3554656, MONDO:0014076, OMIM 615190.
Pulmonary fibrosis and/or bone marrow failure, Telomere-related, 3. Also called: PULMONARY FIBROSIS AND/OR BONE MARROW FAILURE SYNDROME, TELOMERE-RELATED, 3. Identifiers: Orphanet 2032, MedGen C4225346, MONDO:0014613, OMIM 616373.
Dyskeratosis congenita. Identifiers: Orphanet 1775, MedGen C0265965, MONDO:0015780.

Allele frequency attached by ClinVar (database versions not stated): 1000 Genomes Project 0.03095; 1000 Genomes Project 30x 0.03154; TOPMed 0.04206; gnomAD 0.04611 and 0.04646; gnomAD exomes 0.04744; ExAC 0.04904; ESP Exome Variant Server 0.05038.
gnomAD v4.1: 100,558 of 1,612,066 alleles (6.2%); highest among the groups gnomAD compares: Non-Finnish European, 7.3%; 3,568 homozygotes.

Submissions (10):

Labcorp Genetics (formerly Invitae), Labcorp
Classification: Benign for Dyskeratosis congenita, autosomal recessive 5; Pulmonary fibrosis and/or bone marrow failure, Telomere-related, 3. Last evaluated: 2026-02-04. Review status: criteria provided, single submitter. Criteria: Invitae Variant Classification Sherloc (09022015). Collection method: clinical testing. Allele origin: germline.

ARUP Laboratories, Molecular Genetics and Genomics, ARUP Laboratories
Classification: Benign. Last evaluated: 2025-07-21. Review status: criteria provided, single submitter. Criteria: ARUP Molecular Germline Variant Investigation Process 2024. Collection method: clinical testing. Allele origin: germline.

Blueprint Genetics
Classification: Likely benign. Last evaluated: 2024-11-28. Review status: criteria provided, single submitter. Criteria: ACMG Guidelines, 2015. Collection method: clinical testing. Allele origin: germline.

GeneDx
Classification: Benign. Last evaluated: 2019-02-02. Review status: criteria provided, single submitter. Criteria: GeneDx Variant Classification Process June 2021. Collection method: clinical testing. Allele origin: germline. Affected: yes.

Mayo Clinic Laboratories, Mayo Clinic
Classification: Benign. Last evaluated: 2018-08-02. Review status: criteria provided, single submitter. Criteria: ACMG Guidelines, 2015. Collection method: clinical testing. Allele origin: germline. Observed: 120 variant alleles.

Laboratory for Molecular Medicine, Mass General Brigham Personalized Medicine
Classification: Benign. Last evaluated: 2018-03-01. Review status: criteria provided, single submitter. Criteria: LMM Criteria. Collection method: clinical testing. Allele origin: germline. Observed: 2 variant alleles.
Comment: c.1554-6G>A in intron 17 of RTEL1: This variant is not expected to have clinical significance because it has been identified in 7% (8722/125530) of European chr omosomes by the Genome Aggregation Databse (gnomAD, rg; dbSNP rs76364377). ACMG/AMP Criteria applied: BA1; BP4.

Breakthrough Genomics
Classification: Benign. Review status: criteria provided, single submitter. Criteria: ACMG Guidelines, 2015. Collection method: not provided. Allele origin: germline. Inheritance: Autosomal recessive inheritance. Affected: yes.

Natera, Inc.
Classification: Benign for Dyskeratosis congenita. Last evaluated: 2020-09-16. Review status: no assertion criteria provided. Collection method: clinical testing. Allele origin: germline. Not counted in ClinVar's aggregate classification.

Joint Genome Diagnostic Labs from Nijmegen and Maastricht, Radboudumc and MUMC+
Classification: Benign. Review status: no assertion criteria provided. Collection method: clinical testing. Allele origin: germline. Affected: yes. Study: VKGL Data-share Consensus. Not counted in ClinVar's aggregate classification.

Laboratory of Diagnostic Genome Analysis, Leiden University Medical Center (LUMC)
Classification: Benign. Review status: no assertion criteria provided. Collection method: clinical testing. Allele origin: germline. Affected: yes. Study: VKGL Data-share Consensus. Not counted in ClinVar's aggregate classification.